The following is an entry in ClinVar:

NM_000202.8(IDS):c.396G>A (p.Ser132=)

Gene: IDS (iduronate 2-sulfatase; minus strand). Cytogenetic location: Xq28.
Variant type: single nucleotide variant.
Coding change: c.396G>A on transcript NM_000202.8 (MANE Select); coding-DNA position 396, G replaced by A.
Protein change: p.Ser132=; no amino-acid change (serine 132 retained).
Molecular consequence: synonymous variant. On other transcripts: non-coding transcript variant (1).
Genome position (GRCh38, 1-based): chrX:149,503,334, C>T on the plus strand (G>A on the coding strand, the complement: IDS is on the minus strand). VCF-style: chrX-149503334-C-T. GRCh37 (hg19) VCF-style: chrX-148584864-C-T.
Other names: c.126G>A, p.Ser42= (NM_001166550.4); c.396G>A, p.Ser132= (NM_006123.5).
Identifiers: ClinVar variation 196233 (VCV000196233.31), dbSNP rs147108245, ClinGen allele CA243124.

ClinVar aggregate classification (germline): Conflicting classifications of pathogenicity. Review status: criteria provided, conflicting classifications (1 of 4 stars). 5 submissions from 5 submitters: Uncertain significance (1); Benign (1); Likely benign (2). 1 of the submissions does not count toward it. Last evaluated 2026-01-25.

Conditions:
Mucopolysaccharidosis, MPS-II (MPS2). Also called: IDS deficiency; Sulfoiduronate sulfatase deficiency; SIDS deficiency; Attenuated MPS (subtype; formerly known as mild MPS II); Severe MPS II; I2S deficiency. Identifiers: Orphanet 580, Orphanet 79388, MedGen C0026705, MONDO:0010674, OMIM 309900.
Mucopolysaccharidosis, MPS-III-A (MPS3A). Also called: MPS III A; MUCOPOLYSACCHARIDOSIS, TYPE IIIA, ATTENUATED; SANFILIPPO SYNDROME A; SULFAMIDASE DEFICIENCY; Mucopolysaccharidosis type IIIA (Sanfilippo A); mucopolysaccharidosis type 3A. Identifiers: Orphanet 581, Orphanet 79269, MedGen C0086647, MONDO:0009655, OMIM 252900.

Allele frequency attached by ClinVar (database versions not stated): gnomAD exomes 0.00012; 1000 Genomes Project 30x 0.00021; ExAC 0.00023; gnomAD 0.00060 and 0.00063; ESP Exome Variant Server 0.00066; TOPMed 0.00068.

Submissions (5):

Labcorp Genetics (formerly Invitae), Labcorp
Classification: Benign for Mucopolysaccharidosis, MPS-II. Last evaluated: 2026-01-25. Review status: criteria provided, single submitter. Criteria: Invitae Variant Classification Sherloc (09022015). Collection method: clinical testing. Allele origin: germline.

CeGaT Center for Human Genetics Tuebingen
Classification: Likely benign. Last evaluated: 2024-09-01. Review status: criteria provided, single submitter. Criteria: CeGaT Center For Human Genetics Tuebingen Variant Classification Criteria Version 2. Collection method: clinical testing. Allele origin: germline. Affected: yes. Observed: 1 variant allele.
Comment: IDS: BS2

Genome-Nilou Lab
Classification: Likely benign for Mucopolysaccharidosis, MPS-II. Last evaluated: 2021-09-05. Review status: criteria provided, single submitter. Criteria: ACMG Guidelines, 2015. Collection method: clinical testing. Allele origin: germline. Affected: no.

Eurofins Ntd Llc (ga)
Classification: Uncertain significance. Last evaluated: 2014-10-22. Review status: criteria provided, single submitter. Criteria: EGL Classification Definitions 2015. Collection method: clinical testing. Allele origin: germline. Observed: 1 variant allele, 1 hemizygote.

Natera, Inc.
Classification: Likely benign for Mucopolysaccharidosis type IIIA. Last evaluated: 2021-02-11. Review status: no assertion criteria provided. Collection method: clinical testing. Allele origin: germline. Not counted in ClinVar's aggregate classification.